The following is an entry in ClinVar:

ClinVar aggregate classification (germline): Uncertain significance (1 of 4 stars; one submission).

Conditions:
Progressive sclerosing poliodystrophy (MTDPS4A). Also called: Mitochondrial DNA Depletion Syndrome 4A; Alpers-Huttenlocher Syndrome (AHS); ALPERS PROGRESSIVE INFANTILE POLIODYSTROPHY; NEURONAL DEGENERATION OF CHILDHOOD WITH LIVER DISEASE, PROGRESSIVE; Mitochondrial DNA depletion syndrome 4A (Alpers type); Alpers Syndrome. Identifiers: Orphanet 726, MedGen C0205710, MONDO:0008758, OMIM 203700.

Submission:

Labcorp Genetics (formerly Invitae), Labcorp
Classification: Uncertain significance for Progressive sclerosing poliodystrophy. Last evaluated: 2025-02-17. Review status: criteria provided, single submitter. Criteria: Invitae Variant Classification Sherloc (09022015). Collection method: clinical testing. Allele origin: germline.
Comment: This sequence change replaces serine, which is neutral and polar, with cysteine, which is neutral and slightly polar, at codon 254 of the POLG protein (p.Ser254Cys). This variant is not present in population databases (gnomAD no frequency). This variant has not been reported in the literature in individuals affected with POLG-related conditions. ClinVar contains an entry for this variant (Variation ID: 2109149). Invitae Evidence Modeling of protein sequence and biophysical properties (such as structural, functional, and spatial information, amino acid conservation, physicochemical variation, residue mobility, and thermodynamic stability) indicates that this missense variant is not expected to disrupt POLG protein function with a negative predictive value of 95%. In summary, the available evidence is currently insufficient to determine the role of this variant in disease. Therefore, it has been classified as a Variant of Uncertain Significance.

NM_002693.3(POLG):c.760A>T (p.Ser254Cys)

Gene: POLG (DNA polymerase gamma, catalytic subunit; minus strand). Cytogenetic location: 15q26.1.
Variant type: single nucleotide variant.
Coding change: c.760A>T on transcript NM_002693.3 (MANE Select); coding-DNA position 760, A replaced by T.
Protein change: p.Ser254Cys; replaces serine 254 with cysteine.
Molecular consequence: missense variant.
Genome position (GRCh38, 1-based): chr15:89,330,176, T>A on the plus strand (A>T on the coding strand, the complement: POLG is on the minus strand). VCF-style: chr15-89330176-T-A. GRCh37 (hg19) VCF-style: chr15-89873407-T-A.
Other names: c.760A>T, p.Ser254Cys (NM_001126131.2); short protein forms S254C.
Identifiers: ClinVar variation 2109149 (VCV002109149.4), dbSNP rs2509265442, ClinGen allele CA393766977.